The following is an entry in ClinVar:

ClinVar aggregate classification (germline): Likely pathogenic. Review status: criteria provided, multiple submitters, no conflicts (2 of 4 stars). 2 submissions from 2 submitters: Likely pathogenic (2). Last evaluated 2025-07-11.

gnomAD v4.1: 1 of 1,550,496 alleles (0.000064%); highest among the groups gnomAD compares: Non-Finnish European, 0.000087%; no homozygotes.

Submissions (2):

ARUP Laboratories, Molecular Genetics and Genomics, ARUP Laboratories
Classification: Likely pathogenic. Last evaluated: 2025-07-11. Review status: criteria provided, single submitter. Criteria: ARUP Molecular Germline Variant Investigation Process 2024. Collection method: clinical testing. Allele origin: germline.
Comment: The PIEZO1 c.6067C>G; p.Leu2023Val variant (rs990897688, ClinVar Variation ID 2690672) is reported in the literature in multiple individuals from a single kindred affected with xerocytosis (Risinger 2018). This variant is absent from the Genome Aggregation Database (v2.1.1), indicating it is not a common polymorphism. Functional analyses of the variant protein showed slower inactivation potential of the channel protein suggesting a gain of PIEZO1 protein function (Risinger 2018). Computational analyses are uncertain whether this variant is neutral or deleterious (REVEL: 0.548). Based on available information, this variant is considered to be likely pathogenic. References: Risinger M et al. Hereditary xerocytosis: Diagnostic considerations. Am J Hematol. 2018 Mar. PMID: 29210095.

Revvity Omics, Revvity
Classification: Likely pathogenic. Last evaluated: 2023-08-02. Review status: criteria provided, single submitter. Criteria: ACMG Guidelines, 2015. Collection method: clinical testing. Allele origin: germline.

NM_001142864.4(PIEZO1):c.6067C>G (p.Leu2023Val)

Gene: PIEZO1 (piezo type mechanosensitive ion channel component 1 (Er blood group); minus strand). Cytogenetic location: 16q24.3.
Variant type: single nucleotide variant.
Coding change: c.6067C>G on transcript NM_001142864.4 (MANE Select); coding-DNA position 6067, C replaced by G.
Protein change: p.Leu2023Val; replaces leucine 2023 with valine.
Molecular consequence: missense variant.
Genome position (GRCh38, 1-based): chr16:88,720,166, G>C on the plus strand (C>G on the coding strand, the complement: PIEZO1 is on the minus strand). VCF-style: chr16-88720166-G-C. GRCh37 (hg19) VCF-style: chr16-88786574-G-C.
Other names: c.4609C>G, p.Leu1537Val (NM_014745.1); short protein forms L1537V, L2023V.
Identifiers: ClinVar variation 2690672 (VCV002690672.3), dbSNP rs990897688, ClinGen allele CA286409348.
Genomic context (GRCh38, chr16:88,720,166, plus strand): 5'-GGTGGATGGCCAGCACCAGCGCCACCTGGAAGGCCAGCTTGCCCAGCACGGTCTTGCGCA[G>C]GTAGAGGGCGCGGTCAACCACCATGGTACTGAACTGGATCAGCAGCATGACCAGGAAAGC-3'
Protein context (NP_001136336.2, residues 2013-2033): STMVVDRALY[Leu2023Val]RKTVLGKLAF